The following is an entry in ClinVar:

ClinVar aggregate classification (germline): Uncertain significance (1 of 4 stars; one submission).

Conditions:
Frontotemporal dementia and/or amyotrophic lateral sclerosis 6 (FTDALS6). Also called: VCP-Related Amyotrophic Lateral Sclerosis/Frontotemporal Dementia; VCP-Related Amyotrophic Lateral Sclerosis. Identifiers: Orphanet 275872, Orphanet 803, MedGen C5436279, MONDO:0013501, OMIM 613954.
Inclusion body myopathy with Paget disease of bone and frontotemporal dementia. Also called: Inclusion body myopathy with early-onset Paget disease and frontotemporal dementia. Identifiers: Orphanet 52430, MedGen C1833662, MONDO:0000507.

Allele frequency attached by ClinVar (database versions not stated): gnomAD exomes below 0.00001.
gnomAD v4.1: 2 of 1,614,012 alleles (0.00012%); highest among the groups gnomAD compares: Non-Finnish European, 0.00017%; no homozygotes.

Submission:

Labcorp Genetics (formerly Invitae), Labcorp
Classification: Uncertain significance for Inclusion body myopathy with Paget disease of bone and frontotemporal dementia; Frontotemporal dementia and/or amyotrophic lateral sclerosis 6. Last evaluated: 2023-07-18. Review status: criteria provided, single submitter. Criteria: Invitae Variant Classification Sherloc (09022015). Collection method: clinical testing. Allele origin: germline.
Comment: In summary, the available evidence is currently insufficient to determine the role of this variant in disease. Therefore, it has been classified as a Variant of Uncertain Significance. Advanced modeling of protein sequence and biophysical properties (such as structural, functional, and spatial information, amino acid conservation, physicochemical variation, residue mobility, and thermodynamic stability) performed at Invitae indicates that this missense variant is not expected to disrupt VCP protein function. This variant has not been reported in the literature in individuals affected with VCP-related conditions. This variant is not present in population databases (gnomAD no frequency). This sequence change replaces phenylalanine, which is neutral and non-polar, with isoleucine, which is neutral and non-polar, at codon 163 of the VCP protein (p.Phe163Ile).

NM_007126.5(VCP):c.487T>A (p.Phe163Ile)

Gene: VCP (valosin containing protein; minus strand). Cytogenetic location: 9p13.3.
Variant type: single nucleotide variant.
Coding change: c.487T>A on transcript NM_007126.5 (MANE Select); coding-DNA position 487, T replaced by A.
Protein change: p.Phe163Ile; replaces phenylalanine 163 with isoleucine.
Molecular consequence: missense variant.
Genome position (GRCh38, 1-based): chr9:35,065,340, A>T on the plus strand (T>A on the coding strand, the complement: VCP is on the minus strand). VCF-style: chr9-35065340-A-T. GRCh37 (hg19) VCF-style: chr9-35065337-A-T.
Other names: c.352T>A, p.Phe118Ile (NM_001354927.2, NM_001354928.2); short protein forms F118I, F163I.
Identifiers: ClinVar variation 2950014 (VCV002950014.3), dbSNP rs2490366389, ClinGen allele CA373289413.